The following is an entry in ClinVar:

NM_000363.5(TNNI3):c.-13C>A

Gene: TNNI3 (troponin I3, cardiac type; minus strand). Cytogenetic location: 19q13.42.
Variant type: single nucleotide variant.
Coding change: c.-13C>A on transcript NM_000363.5 (MANE Select); 13 bases upstream of the start codon, C replaced by A.
Molecular consequence: 5 prime UTR variant.
Genome position (GRCh38, 1-based): chr19:55,157,602, G>T on the plus strand (C>A on the coding strand, the complement: TNNI3 is on the minus strand). VCF-style: chr19-55157602-G-T. GRCh37 (hg19) VCF-style: chr19-55668970-G-T.
Identifiers: ClinVar variation 1171571 (VCV001171571.2), dbSNP rs2147286713, ClinGen allele CA2499225609.

ClinVar aggregate classification (germline): Uncertain significance (1 of 4 stars; one submission).

Conditions:
Cardiomyopathy (CMYO). Also called: Cardiomyopathies. Identifiers: Orphanet 167848, MedGen C0878544, MONDO:0004994, HP:0001638. Inheritance: Various modes of inheritance.

Submission:

Color Diagnostics, LLC DBA Color Health
Classification: Uncertain significance for Cardiomyopathy. Last evaluated: 2020-10-26. Review status: criteria provided, single submitter. Criteria: ACMG Guidelines, 2015. Collection method: clinical testing. Allele origin: germline.
Comment: This variant changes 1 nucleotide in the 5' untranslated region of the TNNI3 gene. To our knowledge, functional studies have not been reported for this variant. This variant has not been reported in individuals affected with cardiovascular disorders in the literature. This variant has not been identified in the general population by the Genome Aggregation Database (gnomAD). The available evidence is insufficient to determine the role of this variant in disease conclusively. Therefore, this variant is classified as a Variant of Uncertain Significance.